The following is an entry in ClinVar:

ClinVar aggregate classification (germline): Uncertain significance (1 of 4 stars; one submission).

Submission:

GeneDx
Classification: Uncertain significance. Last evaluated: 2025-06-11. Review status: criteria provided, single submitter. Criteria: GeneDx Variant Classification Process June 2021. Collection method: clinical testing. Allele origin: germline. Affected: yes.
Comment: Not observed at significant frequency in large population cohorts (gnomAD); In silico analysis supports that this missense variant has a deleterious effect on protein structure/function; Has not been previously published as pathogenic or benign to our knowledge

NM_006922.4(SCN3A):c.145C>A (p.Pro49Thr)

Gene: SCN3A (sodium voltage-gated channel alpha subunit 3; minus strand). Cytogenetic location: 2q24.3.
Variant type: single nucleotide variant.
Coding change: c.145C>A on transcript NM_006922.4 (MANE Select); coding-DNA position 145, C replaced by A.
Protein change: p.Pro49Thr; replaces proline 49 with threonine.
Molecular consequence: missense variant.
Genome position (GRCh38, 1-based): chr2:165,176,250, G>T on the plus strand (C>A on the coding strand, the complement: SCN3A is on the minus strand). VCF-style: chr2-165176250-G-T. GRCh37 (hg19) VCF-style: chr2-166032760-G-T.
Other names: c.145C>A, p.Pro49Thr (NM_001081676.2, NM_001081677.2); short protein forms P49T.
Identifiers: ClinVar variation 4537707 (VCV004537707.1).